The following is an entry in ClinVar:

NM_002103.5(GYS1):c.207G>A (p.Thr69=)

Gene: GYS1 (glycogen synthase 1; minus strand). Cytogenetic location: 19q13.33.
Variant type: single nucleotide variant.
Coding change: c.207G>A on transcript NM_002103.5 (MANE Select); coding-DNA position 207, G replaced by A.
Protein change: p.Thr69=; no amino-acid change (threonine 69 retained).
Molecular consequence: synonymous variant.
Genome position (GRCh38, 1-based): chr19:48,991,395, C>T on the plus strand (G>A on the coding strand, the complement: GYS1 is on the minus strand). VCF-style: chr19-48991395-C-T. GRCh37 (hg19) VCF-style: chr19-49494652-C-T.
Other names: c.207G>A, p.Thr69= (NM_001161587.2).
Identifiers: ClinVar variation 513948 (VCV000513948.16), dbSNP rs540438011, ClinGen allele CA9563420.

ClinVar aggregate classification (germline): Benign/Likely benign. Review status: criteria provided, multiple submitters, no conflicts (2 of 4 stars). 4 submissions from 4 submitters: Benign (1); Likely benign (2). 1 of the submissions does not count toward it. Last evaluated 2026-01-12.

Conditions:
GYS1-related disorder. Also called: GYS1-related condition.
Glycogen storage disease due to muscle and heart glycogen synthase deficiency. Also called: MUSCLE GLYCOGEN SYNTHASE DEFICIENCY; GSD 0b. Identifiers: Orphanet 137625, MedGen C1969054, MONDO:0012693, OMIM 611556.

Allele frequency attached by ClinVar (database versions not stated): gnomAD exomes 0.00012 and 0.00058; 1000 Genomes Project 30x 0.00016; gnomAD 0.00018 and 0.00019; 1000 Genomes Project 0.00020; TOPMed 0.00037; ExAC 0.00041.
gnomAD v4.1: 189 of 1,614,172 alleles (0.012%); highest among the groups gnomAD compares: Admixed American, 0.31%; 1 homozygote.

Submissions (4):

Labcorp Genetics (formerly Invitae), Labcorp
Classification: Benign for Glycogen storage disease due to muscle and heart glycogen synthase deficiency. Last evaluated: 2026-01-12. Review status: criteria provided, single submitter. Criteria: Invitae Variant Classification Sherloc (09022015). Collection method: clinical testing. Allele origin: germline.

ARUP Laboratories, Molecular Genetics and Genomics, ARUP Laboratories
Classification: Likely benign for Glycogen storage disease due to muscle and heart glycogen synthase deficiency. Last evaluated: 2022-04-07. Review status: criteria provided, single submitter. Criteria: ARUP Molecular Germline Variant Investigation Process 2021. Collection method: clinical testing. Allele origin: germline.

GeneDx
Classification: Likely benign. Last evaluated: 2017-12-22. Review status: criteria provided, single submitter. Criteria: GeneDx Variant Classification (06012015). Collection method: clinical testing. Allele origin: germline. Affected: yes.
Comment: This variant is considered likely benign or benign based on one or more of the following criteria: it is a conservative change, it occurs at a poorly conserved position in the protein, it is predicted to be benign by multiple in silico algorithms, and/or has population frequency not consistent with disease.

PreventionGenetics, part of Exact Sciences
Classification: Likely benign for GYS1-related condition. Last evaluated: 2021-02-01. Review status: no assertion criteria provided. Collection method: clinical testing. Allele origin: germline. Not counted in ClinVar's aggregate classification.
Comment: This variant is classified as likely benign based on ACMG/AMP sequence variant interpretation guidelines (Richards et al. 2015 PMID: 25741868, with internal and published modifications).